The following is an entry in ClinVar:

NM_001378328.1(CELSR1):c.3384G>A (p.Pro1128=)

Gene: CELSR1 (cadherin EGF LAG seven-pass G-type receptor 1; minus strand). Cytogenetic location: 22q13.31.
Variant type: single nucleotide variant.
Coding change: c.3384G>A on transcript NM_001378328.1 (MANE Select); coding-DNA position 3384, G replaced by A.
Protein change: p.Pro1128=; no amino-acid change (proline 1128 retained).
Molecular consequence: synonymous variant.
Genome position (GRCh38, 1-based): chr22:46,533,787, C>T on the plus strand (G>A on the coding strand, the complement: CELSR1 is on the minus strand). VCF-style: chr22-46533787-C-T. GRCh37 (hg19) VCF-style: chr22-46929684-C-T.
Other names: c.3384G>A, p.Pro1128= (NM_014246.4).
Identifiers: ClinVar variation 3061685 (VCV003061685.2), dbSNP rs200909634, ClinGen allele CA10295017.
Genomic context (GRCh38, chr22:46,533,787, plus strand): 5'-CAGCTCGTTGCCCTGCACGAAGGTGTAGTTGAGGCTGTCTGACACGTCGGGGTCATGGGC[C>T]GGGATGCAGCCGATCACGCCGGTGGGGAAACTGTTGGACTTGTTGGTGACATAGTTGTTG-3'
Protein context (NP_001365257.1, residues 1118-1138): SFPTGVIGCI[Pro1128=]AHDPDVSDSL

ClinVar aggregate classification (germline): Likely benign (0 of 4 stars; one submission).

Conditions:
CELSR1-related disorder. Also called: CELSR1-related condition.

Allele frequency attached by ClinVar (database versions not stated): gnomAD 0.00001; gnomAD exomes 0.00001; TOPMed 0.00001; ExAC 0.00002.
gnomAD v4.1: 10 of 1,613,554 alleles (0.00062%); highest among the groups gnomAD compares: Admixed American, 0.0017%; no homozygotes.

Submission:

PreventionGenetics, part of Exact Sciences
Classification: Likely benign for CELSR1-related condition. Last evaluated: 2023-10-16. Review status: no assertion criteria provided. Collection method: clinical testing. Allele origin: germline.
Comment: This variant is classified as likely benign based on ACMG/AMP sequence variant interpretation guidelines (Richards et al. 2015 PMID: 25741868, with internal and published modifications).